The following is an entry in ClinVar:

ClinVar aggregate classification (germline): Uncertain significance. Review status: criteria provided, multiple submitters, no conflicts (2 of 4 stars). 2 submissions from 2 submitters: Uncertain significance (2). Last evaluated 2025-10-29.

Conditions:
Anterior segment dysgenesis. Also called: Ocular anterior segment dysgenesis. Identifiers: Orphanet 88632, MedGen C1862839, MONDO:0019503, HP:0007700.
Congenital primary aphakia. Also called: ANTERIOR SEGMENT DYSGENESIS 2; Anterior segment dysgenesis 2, multiple subtypes. Identifiers: Orphanet 83461, MedGen C1853230, MONDO:0012456, OMIM 610256.
Cardiovascular phenotype. Identifiers: MedGen CN230736.

Allele frequency attached by ClinVar (database versions not stated): ExAC 0.00002; gnomAD 0.00002; gnomAD exomes 0.00002; TOPMed 0.00002.

Submissions (2):

Ambry Genetics
Classification: Uncertain significance for Cardiovascular phenotype. Last evaluated: 2025-10-29. Review status: criteria provided, single submitter. Criteria: Ambry Variant Classification Scheme 2023. Collection method: clinical testing. Allele origin: germline.
Comment: The p.K114Q variant (also known as c.340A>C), located in coding exon 1 of the FOXE3 gene, results from an A to C substitution at nucleotide position 340. The lysine at codon 114 is replaced by glutamine, an amino acid with similar properties. This amino acid position is conserved. In addition, the in silico prediction for this alteration is inconclusive. Since supporting evidence is limited at this time, the clinical significance of this alteration remains unclear.

Labcorp Genetics (formerly Invitae), Labcorp
Classification: Uncertain significance for Anterior segment dysgenesis; Congenital primary aphakia. Last evaluated: 2025-09-09. Review status: criteria provided, single submitter. Criteria: Invitae Variant Classification Sherloc (09022015). Collection method: clinical testing. Allele origin: germline.
Comment: This sequence change replaces lysine, which is basic and polar, with glutamine, which is neutral and polar, at codon 114 of the FOXE3 protein (p.Lys114Gln). This variant is present in population databases (rs768674287, gnomAD 0.003%). This variant has not been reported in the literature in individuals affected with FOXE3-related conditions. ClinVar contains an entry for this variant (Variation ID: 1513676). Invitae Evidence Modeling of protein sequence and biophysical properties (such as structural, functional, and spatial information, amino acid conservation, physicochemical variation, residue mobility, and thermodynamic stability) has been performed for this missense variant. However, the output from this modeling did not meet the statistical confidence thresholds required to predict the impact of this variant on FOXE3 protein function. In summary, the available evidence is currently insufficient to determine the role of this variant in disease. Therefore, it has been classified as a Variant of Uncertain Significance.

NM_012186.3(FOXE3):c.340A>C (p.Lys114Gln)

Genes: FOXE3 (forkhead box E3; plus strand), LINC01389 (long independently transcribed non-coding RNA 1389; minus strand). Cytogenetic location: 1p33.
Variant type: single nucleotide variant.
Coding change: c.340A>C on transcript NM_012186.3 (MANE Select); coding-DNA position 340, A replaced by C.
Protein change: p.Lys114Gln; replaces lysine 114 with glutamine.
Molecular consequence: missense variant.
Genome position (GRCh38, 1-based): chr1:47,416,655, A>C. VCF-style: chr1-47416655-A-C. GRCh37 (hg19) VCF-style: chr1-47882327-A-C.
Other names: c.340A>C (NM_012186.2); short protein forms K114Q.
Identifiers: ClinVar variation 1513676 (VCV001513676.8), dbSNP rs768674287, ClinGen allele CA842944.